The following is an entry in ClinVar:

NM_004104.5(FASN):c.5246C>T (p.Ala1749Val)

Gene: FASN (fatty acid synthase; minus strand). Cytogenetic location: 17q25.3.
Variant type: single nucleotide variant.
Coding change: c.5246C>T on transcript NM_004104.5 (MANE Select); coding-DNA position 5246, C replaced by T.
Protein change: p.Ala1749Val; replaces alanine 1749 with valine.
Molecular consequence: missense variant.
Genome position (GRCh38, 1-based): chr17:82,083,612, G>A on the plus strand (C>T on the coding strand, the complement: FASN is on the minus strand). VCF-style: chr17-82083612-G-A. GRCh37 (hg19) VCF-style: chr17-80041488-G-A.
Other names: short protein forms A1749V.
Identifiers: ClinVar variation 944335 (VCV000944335.9), dbSNP rs1249748778, ClinGen allele CA401539912.

ClinVar aggregate classification (germline): Uncertain significance (1 of 4 stars; one submission).

Conditions:
Epileptic encephalopathy. Identifiers: MedGen C0543888, HP:0200134.

Allele frequency attached by ClinVar (database versions not stated): gnomAD 0.00001; gnomAD exomes 0.00001.
gnomAD v4.1: 8 of 1,610,532 alleles (0.0005%); highest among the groups gnomAD compares: East Asian, 0.0022%; no homozygotes.

Submission:

Labcorp Genetics (formerly Invitae), Labcorp
Classification: Uncertain significance for Epileptic encephalopathy. Last evaluated: 2019-04-25. Review status: criteria provided, single submitter. Criteria: Invitae Variant Classification Sherloc (09022015). Collection method: clinical testing. Allele origin: germline.
Comment: This variant has not been reported in the literature in individuals with FASN-related conditions. Algorithms developed to predict the effect of missense changes on protein structure and function are either unavailable or do not agree on the potential impact of this missense change (SIFT: "Deleterious"; PolyPhen-2: "Probably Damaging"; Align-GVGD: "Class C0"). In summary, the available evidence is currently insufficient to determine the role of this variant in disease. Therefore, it has been classified as a Variant of Uncertain Significance. This variant is not present in population databases (ExAC no frequency). This sequence change replaces alanine with valine at codon 1749 of the FASN protein (p.Ala1749Val). The alanine residue is highly conserved and there is a small physicochemical difference between alanine and valine.